The following is an entry in ClinVar:

NM_032119.4(ADGRV1):c.8931T>G (p.Ser2977Arg)

Gene: ADGRV1 (adhesion G protein-coupled receptor V1; plus strand). Cytogenetic location: 5q14.3.
Variant type: single nucleotide variant.
Coding change: c.8931T>G on transcript NM_032119.4 (MANE Select); coding-DNA position 8931, T replaced by G.
Protein change: p.Ser2977Arg; replaces serine 2977 with arginine.
Molecular consequence: missense variant. On other transcripts: non-coding transcript variant (1).
Genome position (GRCh38, 1-based): chr5:90,711,211, T>G. VCF-style: chr5-90711211-T-G. GRCh37 (hg19) VCF-style: chr5-90007028-T-G.
Other names: short protein forms S2977R.
Identifiers: ClinVar variation 1488036 (VCV001488036.3), dbSNP rs1348296560, ClinGen allele CA360395627.
Genomic context (GRCh38, chr5:90,711,211, plus strand): 5'-TTTGTTTGTTTTTGTTTTTTTGCTATATTATAGGTTTGAAGTAAATGAAACCCATGGAAG[T>G]TTAACATTGGTAGCCCAGAGGAGCAGAGAACCTCTTGGCCATGTTTCCTTATTTGTGTAT-3'
Protein context (NP_115495.3, residues 2967-2987): SRFEVNETHG[Ser2977Arg]LTLVAQRSRE

ClinVar aggregate classification (germline): Uncertain significance (1 of 4 stars; one submission).

Allele frequency attached by ClinVar (database versions not stated): gnomAD exomes below 0.00001.
gnomAD v4.1: 1 of 1,612,914 alleles (0.000062%); highest among the groups gnomAD compares: Non-Finnish European, 0.000085%; no homozygotes.

Submission:

Labcorp Genetics (formerly Invitae), Labcorp
Classification: Uncertain significance. Last evaluated: 2021-08-12. Review status: criteria provided, single submitter. Criteria: Invitae Variant Classification Sherloc (09022015). Collection method: clinical testing. Allele origin: germline.
Comment: This sequence change replaces serine with arginine at codon 2977 of the ADGRV1 protein (p.Ser2977Arg). The serine residue is weakly conserved and there is a moderate physicochemical difference between serine and arginine. This variant is not present in population databases (ExAC no frequency). This variant has not been reported in the literature in individuals affected with ADGRV1-related conditions. Algorithms developed to predict the effect of missense changes on protein structure and function output the following: SIFT: "Tolerated"; PolyPhen-2: "Possibly Damaging"; Align-GVGD: "Class C0". The arginine amino acid residue is found in multiple mammalian species, which suggests that this missense change does not adversely affect protein function. Algorithms developed to predict the effect of sequence changes on RNA splicing suggest that this variant may create or strengthen a splice site. In summary, the available evidence is currently insufficient to determine the role of this variant in disease. Therefore, it has been classified as a Variant of Uncertain Significance.